The following is an entry in ClinVar:

NM_016219.5(MAN1B1):c.994A>G (p.Thr332Ala)

Gene: MAN1B1 (mannosidase alpha class 1B member 1; plus strand). Cytogenetic location: 9q34.3.
Variant type: single nucleotide variant.
Coding change: c.994A>G on transcript NM_016219.5 (MANE Select); coding-DNA position 994, A replaced by G.
Protein change: p.Thr332Ala; replaces threonine 332 with alanine.
Molecular consequence: missense variant. On other transcripts: non-coding transcript variant (2).
Genome position (GRCh38, 1-based): chr9:137,101,082, A>G. VCF-style: chr9-137101082-A-G. GRCh37 (hg19) VCF-style: chr9-139995534-A-G.
Other names: short protein forms T332A.
Identifiers: ClinVar variation 1031955 (VCV001031955.1), dbSNP rs546612497, ClinGen allele CA201691836.
Genomic context (GRCh38, chr9:137,101,082, plus strand): 5'-AAGTGGGTGTCGAAGAAGTTACACTTTGAAAAGGACGTGGACGTCAACCTGTTTGAGAGC[A>G]CGATCCGCATCCTGGGGGGGCTCCTGAGTGCCTACCACCTGTCTGGGGACAGCCTCTTCC-3'
Protein context (NP_057303.2, residues 322-342): KDVDVNLFES[Thr332Ala]IRILGGLLSA

ClinVar aggregate classification (germline): Uncertain significance (1 of 4 stars; one submission).

Conditions:
Rafiq syndrome (RAFQS). Identifiers: Orphanet 88616, MedGen C3280127, MONDO:0013624, OMIM 614202.

Allele frequency attached by ClinVar (database versions not stated): gnomAD exomes 0.00001.
gnomAD v4.1: 11 of 1,614,160 alleles (0.00068%); highest among the groups gnomAD compares: Non-Finnish European, 0.00085%; no homozygotes.

Submission:

Baylor Genetics
Classification: Uncertain significance for Rafiq syndrome. Last evaluated: 2018-01-30. Review status: criteria provided, single submitter. Criteria: ACMG Guidelines, 2015. Collection method: clinical testing. Allele origin: paternal. Affected: yes.
Comment: This variant was determined to be of uncertain significance according to ACMG Guidelines, 2015 [PMID:25741868].